The following is an entry in ClinVar:

ClinVar aggregate classification (germline): Uncertain significance (1 of 4 stars; one submission).

Conditions:
Familial thoracic aortic aneurysm and aortic dissection (TAAD). Also called: Thoracic aortic aneurysms and dissections. Identifiers: Orphanet 91387, MedGen C4707243, MONDO:0019625.

Allele frequency attached by ClinVar (database versions not stated): gnomAD exomes below 0.00001.
gnomAD v4.1: 3 of 1,606,460 alleles (0.00019%); highest among the groups gnomAD compares: Middle Eastern, 0.02%; no homozygotes.

Submission:

Color Diagnostics, LLC DBA Color Health
Classification: Uncertain significance for Familial thoracic aortic aneurysm and aortic dissection. Last evaluated: 2023-12-05. Review status: criteria provided, single submitter. Criteria: ACMG Guidelines, 2015. Collection method: clinical testing. Allele origin: germline.
Comment: This missense variant replaces alanine with valine at codon 220 of the COL3A1 protein. Computational prediction tools and conservation analyses are inconclusive regarding the impact of this variant on the protein function. Computational splicing tools suggest that this variant may not impact RNA splicing. To our knowledge, functional assays have not been performed for this variant nor has this variant been reported in individuals affected with cardiovascular disorders in the literature. This variant has not been identified in the general population by the Genome Aggregation Database (gnomAD). Available evidence is insufficient to determine the role of this variant in disease conclusively. Therefore, this variant is classified as a Variant of Uncertain Significance.

NM_000090.4(COL3A1):c.659C>T (p.Ala220Val)

Gene: COL3A1 (collagen type III alpha 1 chain; plus strand). Cytogenetic location: 2q32.2.
Variant type: single nucleotide variant.
Coding change: c.659C>T on transcript NM_000090.4 (MANE Select); coding-DNA position 659, C replaced by T.
Protein change: p.Ala220Val; replaces alanine 220 with valine.
Molecular consequence: missense variant.
Genome position (GRCh38, 1-based): chr2:188,989,418, C>T. VCF-style: chr2-188989418-C-T. GRCh37 (hg19) VCF-style: chr2-189854144-C-T.
Other names: short protein forms A220V.
Identifiers: ClinVar variation 923138 (VCV000923138.5), dbSNP rs867258281, ClinGen allele CA62589496.